The following is an entry in ClinVar:

ClinVar aggregate classification (germline): Uncertain significance. Review status: criteria provided, multiple submitters, no conflicts (2 of 4 stars). 2 submissions from 2 submitters: Uncertain significance (2). Last evaluated 2022-11-10.

Allele frequency attached by ClinVar (database versions not stated): ExAC 0.00001; gnomAD exomes 0.00001.
gnomAD v4.1: 8 of 1,610,912 alleles (0.0005%); highest among the groups gnomAD compares: Non-Finnish European, 0.00068%; no homozygotes.

Submissions (2):

Ambry Genetics
Classification: Uncertain significance. Last evaluated: 2022-11-10. Review status: criteria provided, single submitter. Criteria: Ambry Variant Classification Scheme 2023. Collection method: clinical testing. Allele origin: germline.

Genetic Services Laboratory, University of Chicago
Classification: Uncertain significance. Last evaluated: 2020-12-18. Review status: criteria provided, single submitter. Criteria: ACMG Guidelines, 2015. Collection method: clinical testing. Allele origin: germline. Affected: no.
Comment: DNA sequence analysis of the PMS1 gene demonstrated a sequence change, c.2146G>A, in exon 10 that results in an amino acid change, p.Val716Ile. This sequence change does not appear to have been previously described in patients with PMS1-related disorders and has been described in the gnomAD database with a low population frequency of 0.00080% (dbSNP rs757877460). The p.Val716Ile change affects a poorly conserved amino acid residue located in a domain of the PMS1 protein that is known to be functional. In-silico pathogenicity prediction tools (SIFT, PolyPhen2, Align GVGD, REVEL) provide contradictory results for the p.Val716Ile substitution. Due to these contrasting evidences and the lack of functional studies, the clinical significance of the p.Val716Ile change remains unknown at this time.

NM_000534.5(PMS1):c.2146G>A (p.Val716Ile)

Gene: PMS1 (PMS1 homolog 1, mismatch repair system component; plus strand). Cytogenetic location: 2q32.2.
Variant type: single nucleotide variant.
Coding change: c.2146G>A on transcript NM_000534.5 (MANE Select); coding-DNA position 2146, G replaced by A.
Protein change: p.Val716Ile; replaces valine 716 with isoleucine.
Molecular consequence: missense variant. On other transcripts: intron variant (2).
Genome position (GRCh38, 1-based): chr2:189,864,032, G>A. VCF-style: chr2-189864032-G-A. GRCh37 (hg19) VCF-style: chr2-190728758-G-A.
Other names: c.2029G>A, p.Val677Ile (NM_001128143.2); c.1618G>A, p.Val540Ile (NM_001289408.2, NM_001289409.2); c.2146G>A, p.Val716Ile (NM_001321045.2, NM_001321047.2, NM_001321048.2); c.1963G>A, p.Val655Ile (NM_001321046.2); c.1857-3767G>A (NM_001128144.2); c.1740-3767G>A (NM_001321044.2); short protein forms V540I, V655I, V677I, V716I.
Identifiers: ClinVar variation 1337793 (VCV001337793.6), dbSNP rs757877460, ClinGen allele CA2026796.